The following is an entry in ClinVar:

NM_020738.4(KIDINS220):c.4825C>T (p.Leu1609Phe)

Gene: KIDINS220 (kinase D interacting substrate 220; minus strand). Cytogenetic location: 2p25.1.
Variant type: single nucleotide variant.
Coding change: c.4825C>T on transcript NM_020738.4 (MANE Select); coding-DNA position 4825, C replaced by T.
Protein change: p.Leu1609Phe; replaces leucine 1609 with phenylalanine.
Molecular consequence: missense variant. On other transcripts: intron variant (6).
Genome position (GRCh38, 1-based): chr2:8,731,211, G>A on the plus strand (C>T on the coding strand, the complement: KIDINS220 is on the minus strand). VCF-style: chr2-8731211-G-A. GRCh37 (hg19) VCF-style: chr2-8871341-G-A.
Other names: c.4828C>T, p.Leu1610Phe (NM_001348729.2); c.4771C>T, p.Leu1591Phe (NM_001348731.2); c.4768C>T, p.Leu1590Phe (NM_001348732.2); c.4657C>T, p.Leu1553Phe (NM_001348734.2); c.4654C>T, p.Leu1552Phe (NM_001348735.2); c.4528C>T, p.Leu1510Phe (NM_001348736.2); c.3882+2233C>T (NM_001348741.2, NM_001348742.2, NM_001348743.2); c.3996+2233C>T (NM_001348738.2); and 1 more; short protein forms L1510F, L1552F, L1553F, L1590F, L1591F, L1609F, L1610F.
Identifiers: ClinVar variation 3366101 (VCV003366101.1).
Genomic context (GRCh38, chr2:8,731,211, plus strand): 5'-GGATTCCCCGCTTTCCGCTGTGACTGTCATCTTCCAGCTCTATGAGATTTGCCTTTTCAA[G>A]CTGGGAGTCATCCGCCACTTCATTGTGCAGAGAGTGATTGGGAGAACTTTCACTGGATCT-3'
Protein context (NP_065789.1, residues 1599-1619): LHNEVADDSQ[Leu1609Phe]EKANLIELED

ClinVar aggregate classification (germline): Uncertain significance (1 of 4 stars; one submission).

Submission:

GeneDx
Classification: Uncertain significance. Last evaluated: 2023-10-19. Review status: criteria provided, single submitter. Criteria: GeneDx Variant Classification Process June 2021. Collection method: clinical testing. Allele origin: germline. Affected: yes.
Comment: Not observed at significant frequency in large population cohorts (gnomAD); In silico analysis supports that this missense variant does not alter protein structure/function; Has not been previously published as pathogenic or benign to our knowledge